The following is an entry in ClinVar:

ClinVar aggregate classification (germline): Likely benign (0 of 4 stars; one submission).

Conditions:
ATE1-related disorder. Also called: ATE1-related condition.

Allele frequency attached by ClinVar (database versions not stated): ESP Exome Variant Server 0.00015.
gnomAD v4.1: 133 of 1,608,654 alleles (0.0083%); highest among the groups gnomAD compares: South Asian, 0.017%; no homozygotes.

Submission:

PreventionGenetics, part of Exact Sciences
Classification: Likely benign for ATE1-related condition. Last evaluated: 2019-12-26. Review status: no assertion criteria provided. Collection method: clinical testing. Allele origin: germline.
Comment: This variant is classified as likely benign based on ACMG/AMP sequence variant interpretation guidelines (Richards et al. 2015 PMID: 25741868, with internal and published modifications).

NM_001001976.3(ATE1):c.369T>A (p.Ala123=)

Gene: ATE1 (arginyltransferase 1; minus strand). Cytogenetic location: 10q26.13.
Variant type: single nucleotide variant.
Coding change: c.369T>A on transcript NM_001001976.3 (MANE Select); coding-DNA position 369, T replaced by A.
Protein change: p.Ala123=; no amino-acid change (alanine 123 retained).
Molecular consequence: synonymous variant. On other transcripts: non-coding transcript variant (1).
Genome position (GRCh38, 1-based): chr10:121,911,120, A>T on the plus strand (T>A on the coding strand, the complement: ATE1 is on the minus strand). VCF-style: chr10-121911120-A-T. GRCh37 (hg19) VCF-style: chr10-123670635-A-T.
Other names: c.24T>A, p.Ala8= (NM_001288734.2); c.81T>A, p.Ala27= (NM_001288735.2); c.348T>A, p.Ala116= (NM_001288736.2); c.369T>A, p.Ala123= (NM_007041.4).
Identifiers: ClinVar variation 3036331 (VCV003036331.2), dbSNP rs369126133, ClinGen allele CA5721676.